The following is an entry in ClinVar:

ClinVar aggregate classification (germline): Uncertain significance (1 of 4 stars; one submission).

Submission:

Labcorp Genetics (formerly Invitae), Labcorp
Classification: Uncertain significance. Last evaluated: 2022-03-12. Review status: criteria provided, single submitter. Criteria: Invitae Variant Classification Sherloc (09022015). Collection method: clinical testing. Allele origin: germline.
Comment: In summary, the available evidence is currently insufficient to determine the role of this variant in disease. Therefore, it has been classified as a Variant of Uncertain Significance. Experimental studies and prediction algorithms are not available or were not evaluated, and the functional significance of this variant is currently unknown. This variant has not been reported in the literature in individuals affected with OPA1-related conditions. This variant is not present in population databases (gnomAD no frequency). This variant, c.2528_2530del, is a complex sequence change that results in the deletion of 2 and insertion of 1 amino acid(s) in the OPA1 protein (p.Arg843_His844delinsAsn).

NM_130837.3(OPA1):c.2693_2695del (p.Arg898_His899delinsAsn)

Gene: OPA1 (OPA1 mitochondrial dynamin like GTPase; plus strand). Cytogenetic location: 3q29.
Variant type: Deletion.
Coding change: c.2693_2695del on transcript NM_130837.3 (MANE Select); coding-DNA positions 2693 to 2695, 3 bases deleted (GAC; older notation c.2693_2695delGAC).
Protein change: p.Arg898_His899delinsAsn.
Molecular consequence: inframe indel.
Genome position (GRCh38, 1-based): chr3:193,664,911-193,664,913, GAC deleted. VCF-style (leftmost placement, unchanged base first): chr3-193664910-AGAC-A. GRCh37 (hg19) VCF-style: chr3-193382699-AGAC-A.
Other names: c.2159_2161del, p.Arg720_His721delinsAsn (NM_001354663.2); c.2156_2158del, p.Arg719_His720delinsAsn (NM_001354664.2); c.2528_2530del, p.Arg843_His844delinsAsn (NM_015560.3); c.2420_2422del, p.Arg807_His808delinsAsn (NM_130831.3); c.2474_2476del, p.Arg825_His826delinsAsn (NM_130832.3); c.2531_2533del, p.Arg844_His845delinsAsn (NM_130833.3); c.2582_2584del, p.Arg861_His862delinsAsn (NM_130834.3); c.2585_2587del, p.Arg862_His863delinsAsn (NM_130835.3); and 1 more.
Identifiers: ClinVar variation 2090564 (VCV002090564.4), dbSNP rs2475165912, ClinGen allele CA2580070542.